The following is an entry in ClinVar:

NM_032119.4(ADGRV1):c.12552G>T (p.Leu4184Phe)

Gene: ADGRV1 (adhesion G protein-coupled receptor V1; plus strand). Cytogenetic location: 5q14.3.
Variant type: single nucleotide variant.
Coding change: c.12552G>T on transcript NM_032119.4 (MANE Select); coding-DNA position 12552, G replaced by T.
Protein change: p.Leu4184Phe; replaces leucine 4184 with phenylalanine.
Molecular consequence: missense variant. On other transcripts: non-coding transcript variant (1).
Genome position (GRCh38, 1-based): chr5:90,777,929, G>T. VCF-style: chr5-90777929-G-T. GRCh37 (hg19) VCF-style: chr5-90073746-G-T.
Other names: c.12552G>T (NM_032119.3); short protein forms L4184F.
Identifiers: ClinVar variation 2191036 (VCV002191036.2), dbSNP rs759475613, ClinGen allele CA3341288.

ClinVar aggregate classification (germline): Uncertain significance. Review status: criteria provided, multiple submitters, no conflicts (2 of 4 stars). 2 submissions from 2 submitters: Uncertain significance (2). Last evaluated 2024-06-05.

Allele frequency attached by ClinVar (database versions not stated): ExAC 0.00003; gnomAD 0.00003.
gnomAD v4.1: 21 of 1,611,718 alleles (0.0013%); highest among the groups gnomAD compares: Admixed American, 0.0017%; no homozygotes.

Submissions (2):

GeneDx
Classification: Uncertain significance. Last evaluated: 2024-06-05. Review status: criteria provided, single submitter. Criteria: GeneDx Variant Classification Process June 2021. Collection method: clinical testing. Allele origin: germline. Affected: yes.
Comment: Not observed at significant frequency in large population cohorts (gnomAD); In silico analysis indicates that this missense variant does not alter protein structure/function; Has not been previously published as pathogenic or benign to our knowledge

Labcorp Genetics (formerly Invitae), Labcorp
Classification: Uncertain significance. Last evaluated: 2022-07-16. Review status: criteria provided, single submitter. Criteria: Invitae Variant Classification Sherloc (09022015). Collection method: clinical testing. Allele origin: germline.
Comment: This sequence change replaces leucine, which is neutral and non-polar, with phenylalanine, which is neutral and non-polar, at codon 4184 of the ADGRV1 protein (p.Leu4184Phe). This variant is present in population databases (rs759475613, gnomAD 0.003%). This variant has not been reported in the literature in individuals affected with ADGRV1-related conditions. Algorithms developed to predict the effect of missense changes on protein structure and function output the following: SIFT: "Tolerated"; PolyPhen-2: "Benign"; Align-GVGD: "Class C0". The phenylalanine amino acid residue is found in multiple mammalian species, which suggests that this missense change does not adversely affect protein function. In summary, the available evidence is currently insufficient to determine the role of this variant in disease. Therefore, it has been classified as a Variant of Uncertain Significance.